The following is an entry in ClinVar:

ClinVar aggregate classification (germline): Uncertain significance (1 of 4 stars; one submission).

gnomAD v4.1: 5 of 1,613,612 alleles (0.00031%); highest among the groups gnomAD compares: Non-Finnish European, 0.00042%; no homozygotes.

Submission:

Labcorp Genetics (formerly Invitae), Labcorp
Classification: Uncertain significance. Last evaluated: 2024-08-28. Review status: criteria provided, single submitter. Criteria: Invitae Variant Classification Sherloc (09022015). Collection method: clinical testing. Allele origin: germline.
Comment: This sequence change replaces glutamic acid, which is acidic and polar, with aspartic acid, which is acidic and polar, at codon 272 of the COL11A1 protein (p.Glu272Asp). This variant is not present in population databases (gnomAD no frequency). This variant has not been reported in the literature in individuals affected with COL11A1-related conditions. Invitae Evidence Modeling of protein sequence and biophysical properties (such as structural, functional, and spatial information, amino acid conservation, physicochemical variation, residue mobility, and thermodynamic stability) indicates that this missense variant is not expected to disrupt COL11A1 protein function with a negative predictive value of 95%. In summary, the available evidence is currently insufficient to determine the role of this variant in disease. Therefore, it has been classified as a Variant of Uncertain Significance.

NM_001854.4(COL11A1):c.816G>C (p.Glu272Asp)

Gene: COL11A1 (collagen type XI alpha 1 chain; minus strand). Cytogenetic location: 1p21.1.
Variant type: single nucleotide variant.
Coding change: c.816G>C on transcript NM_001854.4 (MANE Select); coding-DNA position 816, G replaced by C.
Protein change: p.Glu272Asp; replaces glutamic acid 272 with aspartic acid.
Molecular consequence: missense variant. On other transcripts: non-coding transcript variant (1), intron variant (2).
Genome position (GRCh38, 1-based): chr1:103,026,297, C>G on the plus strand (G>C on the coding strand, the complement: COL11A1 is on the minus strand). VCF-style: chr1-103026297-C-G. GRCh37 (hg19) VCF-style: chr1-103491853-C-G.
Other names: c.816G>C, p.Glu272Asp (NM_080630.4); c.781-684G>C (NM_001190709.2); c.781-345G>C (NM_080629.3); short protein forms E272D.
Identifiers: ClinVar variation 3633582 (VCV003633582.2).